The following is an entry in ClinVar:

ClinVar aggregate classification (germline): Uncertain significance (1 of 4 stars; one submission).

gnomAD v4.1: 1 of 1,614,190 alleles (0.000062%); highest among the groups gnomAD compares: East Asian, 0.0022%; no homozygotes.

Submission:

Labcorp Genetics (formerly Invitae), Labcorp
Classification: Uncertain significance. Last evaluated: 2025-08-30. Review status: criteria provided, single submitter. Criteria: Invitae Variant Classification Sherloc (09022015). Collection method: clinical testing. Allele origin: germline.
Comment: This sequence change replaces isoleucine, which is neutral and non-polar, with leucine, which is neutral and non-polar, at codon 333 of the MBD4 protein (p.Ile333Leu). This variant is present in population databases (no rsID available, gnomAD 0.006%). This variant has not been reported in the literature in individuals affected with MBD4-related conditions. An algorithm developed to predict the effect of missense changes on protein structure and function (PolyPhen-2) suggests that this variant is likely to be tolerated. In summary, the available evidence is currently insufficient to determine the role of this variant in disease. Therefore, it has been classified as a Variant of Uncertain Significance.

NM_001276270.2(MBD4):c.997A>T (p.Ile333Leu)

Gene: MBD4 (methyl-CpG binding domain 4, DNA glycosylase; minus strand). Cytogenetic location: 3q21.3.
Variant type: single nucleotide variant.
Coding change: c.997A>T on transcript NM_001276270.2 (MANE Select); coding-DNA position 997, A replaced by T.
Protein change: p.Ile333Leu; replaces isoleucine 333 with leucine.
Molecular consequence: missense variant. On other transcripts: intron variant (1).
Genome position (GRCh38, 1-based): chr3:129,436,647, T>A on the plus strand (A>T on the coding strand, the complement: MBD4 is on the minus strand). VCF-style: chr3-129436647-T-A. GRCh37 (hg19) VCF-style: chr3-129155490-T-A.
Other names: c.997A>T, p.Ile333Leu (NM_001276271.2, NM_001276272.2, NM_003925.3); c.247+1161A>T (NM_001276273.2); short protein forms I333L.
Identifiers: ClinVar variation 4774396 (VCV004774396.1).
Genomic context (GRCh38, chr3:129,436,647, plus strand): 5'-AAAAGGTATCCTCATACTTCTCGTTGTGTTCTGAGTCTTTGGCTGAACAAAATTTGTTTA[T>A]GATGCCAGAAGTTTTTTGTTCAGAACAAAAATTTGATCCTGAACTCAATGATCTTTCTTT-3'
Protein context (NP_001263199.1, residues 323-343): FCSEQKTSGI[Ile333Leu]NKFCSAKDSE